The following is an entry in ClinVar:

NM_173648.4(CCDC141):c.4492G>A (p.Val1498Met)

Gene: CCDC141 (coiled-coil domain containing 141; minus strand). Cytogenetic location: 2q31.2.
Variant type: single nucleotide variant.
Coding change: c.4492G>A on transcript NM_173648.4 (MANE Select); coding-DNA position 4492, G replaced by A.
Protein change: p.Val1498Met; replaces valine 1498 with methionine.
Molecular consequence: missense variant.
Genome position (GRCh38, 1-based): chr2:178,834,274, C>T on the plus strand (G>A on the coding strand, the complement: CCDC141 is on the minus strand). VCF-style: chr2-178834274-C-T. GRCh37 (hg19) VCF-style: chr2-179699001-C-T.
Other names: c.4492G>A (NM_173648.3); short protein forms V1498M.
Identifiers: ClinVar variation 3632197 (VCV003632197.3).

ClinVar aggregate classification (germline): Uncertain significance. Review status: criteria provided, multiple submitters, no conflicts (2 of 4 stars). 2 submissions from 2 submitters: Uncertain significance (2). Last evaluated 2025-02-19.

gnomAD v4.1: 41 of 1,536,066 alleles (0.0027%); highest among the groups gnomAD compares: African/African-American, 0.03%; no homozygotes.

Submissions (2):

Ambry Genetics
Classification: Uncertain significance. Last evaluated: 2025-02-19. Review status: criteria provided, single submitter. Criteria: Ambry Variant Classification Scheme 2023. Collection method: clinical testing. Allele origin: germline.

Labcorp Genetics (formerly Invitae), Labcorp
Classification: Uncertain significance. Last evaluated: 2024-03-26. Review status: criteria provided, single submitter. Criteria: Invitae Variant Classification Sherloc (09022015). Collection method: clinical testing. Allele origin: germline.
Comment: This sequence change replaces valine, which is neutral and non-polar, with methionine, which is neutral and non-polar, at codon 1498 of the CCDC141 protein (p.Val1498Met). This variant is present in population databases (rs185082965, gnomAD 0.03%). This variant has not been reported in the literature in individuals affected with CCDC141-related conditions. An algorithm developed to predict the effect of missense changes on protein structure and function (PolyPhen-2) suggests that this variant is likely to be disruptive. In summary, the available evidence is currently insufficient to determine the role of this variant in disease. Therefore, it has been classified as a Variant of Uncertain Significance.